The following is an entry in ClinVar:

ClinVar aggregate classification (germline): Uncertain significance (1 of 4 stars; one submission).

Conditions:
RASopathy. Also called: Noonan spectrum disorder; rasopathies. Identifiers: Orphanet 536391, MedGen C5555857, MONDO:0021060.

Submission:

Labcorp Genetics (formerly Invitae), Labcorp
Classification: Uncertain significance for RASopathy. Last evaluated: 2022-07-18. Review status: criteria provided, single submitter. Criteria: Invitae Variant Classification Sherloc (09022015). Collection method: clinical testing. Allele origin: germline.
Comment: This variant has not been reported in the literature in individuals affected with SOS1-related conditions. This variant is not present in population databases (gnomAD no frequency). This sequence change replaces leucine, which is neutral and non-polar, with isoleucine, which is neutral and non-polar, at codon 845 of the SOS1 protein (p.Leu845Ile). Advanced modeling of protein sequence and biophysical properties (such as structural, functional, and spatial information, amino acid conservation, physicochemical variation, residue mobility, and thermodynamic stability) performed at Invitae indicates that this missense variant is not expected to disrupt SOS1 protein function. In summary, the available evidence is currently insufficient to determine the role of this variant in disease. Therefore, it has been classified as a Variant of Uncertain Significance.

NM_005633.4(SOS1):c.2533T>A (p.Leu845Ile)

Gene: SOS1 (SOS Ras/Rac guanine nucleotide exchange factor 1; minus strand). Cytogenetic location: 2p22.1.
Variant type: single nucleotide variant.
Coding change: c.2533T>A on transcript NM_005633.4 (MANE Select); coding-DNA position 2533, T replaced by A.
Protein change: p.Leu845Ile; replaces leucine 845 with isoleucine.
Molecular consequence: missense variant.
Genome position (GRCh38, 1-based): chr2:39,007,171, A>T on the plus strand (T>A on the coding strand, the complement: SOS1 is on the minus strand). VCF-style: chr2-39007171-A-T. GRCh37 (hg19) VCF-style: chr2-39234312-A-T.
Other names: c.2512T>A, p.Leu838Ile (NM_001382394.1); c.2533T>A, p.Leu845Ile (NM_001382395.1); short protein forms L838I, L845I.
Identifiers: ClinVar variation 2166167 (VCV002166167.4), dbSNP rs368578645, ClinGen allele CA346363625.